The following is an entry in ClinVar:

ClinVar aggregate classification (germline): Uncertain significance. Review status: criteria provided, multiple submitters, no conflicts (2 of 4 stars). 8 submissions from 8 submitters: Uncertain significance (6). 2 of the submissions do not count toward it. Last evaluated 2024-12-04.

Conditions:
Glycogen storage disease, type V (GSD5). Also called: MCARDLE DISEASE; MUSCLE GLYCOGEN PHOSPHORYLASE DEFICIENCY; MYOPHOSPHORYLASE DEFICIENCY; PYGM DEFICIENCY; McArdle type glycogen storage disease. Identifiers: Orphanet 368, MedGen C0017924, MONDO:0009293, OMIM 232600.

Allele frequency attached by ClinVar (database versions not stated): ESP Exome Variant Server 0.00008; ExAC 0.00016; gnomAD exomes 0.00023 and 0.00039; TOPMed 0.00032; gnomAD 0.00033 and 0.00034; 1000 Genomes Project 0.00040; 1000 Genomes Project 30x 0.00047.
gnomAD v4.1: 620 of 1,614,100 alleles (0.038%); highest among the groups gnomAD compares: Admixed American, 0.075%; no homozygotes.

Submissions (8):

Revvity Omics, Revvity
Classification: Uncertain significance for Glycogen storage disease, type V. Last evaluated: 2024-12-04. Review status: criteria provided, single submitter. Criteria: ACMG Guidelines, 2015. Collection method: clinical testing. Allele origin: germline.

Fulgent Genetics
Classification: Uncertain significance for Glycogen storage disease, type V. Last evaluated: 2024-04-02. Review status: criteria provided, single submitter. Criteria: ACMG Guidelines, 2015. Collection method: clinical testing. Allele origin: germline.

Labcorp Genetics (formerly Invitae), Labcorp
Classification: Uncertain significance for Glycogen storage disease, type V. Last evaluated: 2022-10-17. Review status: criteria provided, single submitter. Criteria: Invitae Variant Classification Sherloc (09022015). Collection method: clinical testing. Allele origin: germline.
Comment: This sequence change replaces isoleucine, which is neutral and non-polar, with threonine, which is neutral and polar, at codon 620 of the PYGM protein (p.Ile620Thr). This variant is present in population databases (rs142008108, gnomAD 0.06%). This variant has not been reported in the literature in individuals affected with PYGM-related conditions. ClinVar contains an entry for this variant (Variation ID: 877372). Advanced modeling of protein sequence and biophysical properties (such as structural, functional, and spatial information, amino acid conservation, physicochemical variation, residue mobility, and thermodynamic stability) has been performed at Invitae for this missense variant, however the output from this modeling did not meet the statistical confidence thresholds required to predict the impact of this variant on PYGM protein function. In summary, the available evidence is currently insufficient to determine the role of this variant in disease. Therefore, it has been classified as a Variant of Uncertain Significance.

Mayo Clinic Laboratories, Mayo Clinic
Classification: Uncertain significance. Last evaluated: 2021-07-19. Review status: criteria provided, single submitter. Criteria: ACMG Guidelines, 2015. Collection method: clinical testing. Allele origin: germline.

Illumina Laboratory Services, Illumina
Classification: Uncertain significance for Glycogen storage disease, type V. Last evaluated: 2018-01-13. Review status: criteria provided, single submitter. Criteria: ICSL Variant Classification Criteria 13 December 2019. Collection method: clinical testing. Allele origin: germline.

Breakthrough Genomics
Classification: Uncertain significance. Review status: criteria provided, single submitter. Criteria: ACMG Guidelines, 2015. Collection method: not provided. Allele origin: germline. Inheritance: Autosomal recessive inheritance. Affected: yes.

Natera, Inc.
Classification: Uncertain significance for Glycogen storage disease V. Last evaluated: 2020-04-14. Review status: no assertion criteria provided. Collection method: clinical testing. Allele origin: germline. Not counted in ClinVar's aggregate classification.

Department of Pathology and Laboratory Medicine, Sinai Health System
Classification: Uncertain significance. Review status: no assertion criteria provided. Collection method: clinical testing. Allele origin: unknown. Affected: yes. Study: The Canadian Open Genetics Repository (COGR). Not counted in ClinVar's aggregate classification.
Comment: The PYGM p.Ile620Thr variant was not identified in the literature nor was it identified in ClinVar or LOVD 3.0. The variant was identified in dbSNP (ID: rs142008108) and in control databases in 61 of 282786 chromosomes at a frequency of 0.000216 (Genome Aggregation Database March 6, 2019, v2.1.1). The variant was observed in the following populations: Latino in 20 of 35438 chromosomes (freq: 0.000564), European (non-Finnish) in 37 of 129116 chromosomes (freq: 0.000287), African in 3 of 24958 chromosomes (freq: 0.00012) and European (Finnish) in 1 of 25122 chromosomes (freq: 0.00004), but was not observed in the Ashkenazi Jewish, East Asian, Other or South Asian populations. The p.Ile620 residue is conserved across mammals and other organisms, and four out of five computational analyses (PolyPhen-2, SIFT, AlignGVGD, BLOSUM, MutationTaster) suggest that the variant may impact the protein; however, this information is not predictive enough to assume pathogenicity. The variant occurs outside of the splicing consensus sequence and in silico or computational prediction software programs (SpliceSiteFinder, MaxEntScan, NNSPLICE, GeneSplicer) do not predict a difference in splicing. In summary, based on the above information the clinical significance of this variant cannot be determined with certainty at this time. This variant is classified as a variant of uncertain significance.

NM_005609.4(PYGM):c.1859T>C (p.Ile620Thr)

Gene: PYGM (glycogen phosphorylase, muscle associated; minus strand). Cytogenetic location: 11q13.1.
Variant type: single nucleotide variant.
Coding change: c.1859T>C on transcript NM_005609.4 (MANE Select); coding-DNA position 1859, T replaced by C.
Protein change: p.Ile620Thr; replaces isoleucine 620 with threonine.
Molecular consequence: missense variant.
Genome position (GRCh38, 1-based): chr11:64,751,435, A>G on the plus strand (T>C on the coding strand, the complement: PYGM is on the minus strand). VCF-style: chr11-64751435-A-G. GRCh37 (hg19) VCF-style: chr11-64518907-A-G.
Other names: p.Ile620Thr; c.1595T>C, p.Ile532Thr (NM_001164716.1); short protein forms I620T, I532T.
Identifiers: ClinVar variation 877372 (VCV000877372.16), dbSNP rs142008108, ClinGen allele CA6079693.